The following is an entry in ClinVar:

NM_001354483.2(CSGALNACT1):c.701_702inv (p.His234Arg)

Gene: CSGALNACT1 (chondroitin sulfate N-acetylgalactosaminyltransferase 1; minus strand). Cytogenetic location: 8p21.3.
Variant type: Inversion.
Coding change: c.701_702inv on transcript NM_001354483.2 (MANE Select).
Protein change: p.His234Arg; replaces histidine 234 with arginine.
Molecular consequence: missense variant. On other transcripts: non-coding transcript variant (7).
Genome position: GRCh38 VCF-style: chr8-19458575-GT-AC. GRCh37 (hg19) VCF-style: chr8-19316086-GT-AC.
Other names: c.701_702inv, p.His234Arg (NM_001130518.2, NM_001354475.2, NM_001354476.2 and 18 more transcripts); short protein forms H234R.
Identifiers: ClinVar variation 1374101 (VCV001374101.5), ClinGen allele CA2573142624.
Genomic context (GRCh38, chr8:19,458,575, plus strand): 5'-TTCATTTTTCACTTTCATGATGGGGCCGAATGGTCGAAATAAGATGAGCCGTTTGAATTC[GT>AC]GTTTGTGGTCCCCTTTGAAGGTGAGCTCATACAATGTCCCTTTGTCCCTTTCTGTTCGGT-3'
Protein context (NP_001341412.1, residues 224-244): YELTFKGDHK[His234Arg]EFKRLILFRP

ClinVar aggregate classification (germline): Uncertain significance (1 of 4 stars; one submission).

Submission:

Labcorp Genetics (formerly Invitae), Labcorp
Classification: Uncertain significance. Last evaluated: 2024-05-02. Review status: criteria provided, single submitter. Criteria: Invitae Variant Classification Sherloc (09022015). Collection method: clinical testing. Allele origin: germline.
Comment: This sequence change replaces histidine, which is basic and polar, with arginine, which is basic and polar, at codon 234 of the CSGALNACT1 protein (p.His234Arg). This variant is present in population databases (no rsID available, gnomAD 0.001%). This variant has not been reported in the literature in individuals affected with CSGALNACT1-related conditions. ClinVar contains an entry for this variant (Variation ID: 1374101). An algorithm developed to predict the effect of missense changes on protein structure and function (PolyPhen-2) suggests that this variant is likely to be disruptive. Experimental studies have shown that this missense change affects CSGALNACT1 function (PMID: 21160489). In summary, the available evidence is currently insufficient to determine the role of this variant in disease. Therefore, it has been classified as a Variant of Uncertain Significance.

Literature cited by the submitters: PubMed 21160489.